The following is an entry in ClinVar:

NM_000350.3(ABCA4):c.3050+1G>C

Gene: ABCA4 (ATP binding cassette subfamily A member 4; minus strand). Cytogenetic location: 1p22.1.
Variant type: single nucleotide variant.
Coding change: c.3050+1G>C on transcript NM_000350.3 (MANE Select); the canonical splice donor site of the intron after coding-DNA position 3050, G replaced by C.
Molecular consequence: splice donor variant.
Genome position (GRCh38, 1-based): chr1:94,044,612, C>G on the plus strand (G>C on the coding strand, the complement: ABCA4 is on the minus strand). VCF-style: chr1-94044612-C-G. GRCh37 (hg19) VCF-style: chr1-94510168-C-G.
Identifiers: ClinVar variation 3249972 (VCV003249972.17).

ClinVar aggregate classification (germline): Pathogenic. Review status: criteria provided, multiple submitters, no conflicts (2 of 4 stars). 4 submissions from 4 submitters: Pathogenic (4). Last evaluated 2026-01-01.

Conditions:
ABCA4-related disorder. Also called: ABCA4-related condition; ABCA4-related disorders. Identifiers: MedGen CN239167.
Retinal dystrophy. Also called: Inherited retinal dystrophy. Identifiers: Orphanet 71862, MedGen C0854723, MeSH D058499, MONDO:0019118, HP:0000556.

Submissions (4):

CeGaT Center for Human Genetics Tuebingen
Classification: Pathogenic. Last evaluated: 2026-01-01. Review status: criteria provided, single submitter. Criteria: CeGaT Center For Human Genetics Tuebingen Variant Classification Criteria Version 2. Collection method: clinical testing. Allele origin: germline. Affected: yes. Observed: 2 variant alleles.
Comment: ABCA4: PM3:Strong, PVS1:Strong, PM2, PS1:Supporting

Labcorp Genetics (formerly Invitae), Labcorp
Classification: Pathogenic. Last evaluated: 2025-07-31. Review status: criteria provided, single submitter. Criteria: Invitae Variant Classification Sherloc (09022015). Collection method: clinical testing. Allele origin: germline.
Comment: This sequence change affects a donor splice site in intron 20 of the ABCA4 gene. It is expected to disrupt RNA splicing. Variants that disrupt the donor or acceptor splice site typically lead to a loss of protein function (PMID: 16199547), and loss-of-function variants in ABCA4 are known to be pathogenic (PMID: 10958761, 24938718, 25312043, 26780318). This variant is not present in population databases (gnomAD no frequency). Disruption of this splice site has been observed in individuals with clinical features of ABCA4-related conditions (PMID: 23982839, 26957898, 32531858, 35120629). ClinVar contains an entry for this variant (Variation ID: 3249972). Algorithms developed to predict the effect of sequence changes on RNA splicing suggest that this variant may disrupt the consensus splice site. For these reasons, this variant has been classified as Pathogenic.

Blueprint Genetics
Classification: Pathogenic for ABCA4-related disorders. Last evaluated: 2022-09-29. Review status: criteria provided, single submitter. Criteria: ACMG Guidelines, 2015. Collection method: clinical testing. Allele origin: germline. Affected: yes. Observed: 1 variant allele.

Institute of Human Genetics, Univ. Regensburg, Univ. Regensburg
Classification: Pathogenic for Retinal dystrophy. Last evaluated: 2013-01-01. Review status: criteria provided, single submitter. Criteria: ACMG Guidelines, 2015. Collection method: clinical testing. Allele origin: germline. Affected: yes.

Literature cited by the submitters: PubMed 16199547 (cited by Labcorp Genetics (formerly Invitae), Labcorp); PubMed 10958761 (cited by Labcorp Genetics (formerly Invitae), Labcorp); PubMed 24938718 (cited by Labcorp Genetics (formerly Invitae), Labcorp); PubMed 25312043 (cited by Labcorp Genetics (formerly Invitae), Labcorp); PubMed 26780318 (cited by Labcorp Genetics (formerly Invitae), Labcorp); PubMed 23982839 (cited by Labcorp Genetics (formerly Invitae), Labcorp and Institute of Human Genetics, Univ. Regensburg, Univ. Regensburg); PubMed 26957898 (cited by Labcorp Genetics (formerly Invitae), Labcorp); PubMed 32531858 (cited by Labcorp Genetics (formerly Invitae), Labcorp); PubMed 35120629 (cited by Labcorp Genetics (formerly Invitae), Labcorp); PubMed 3253185 (cited by Institute of Human Genetics, Univ. Regensburg, Univ. Regensburg).